The following is an entry in ClinVar:

ClinVar aggregate classification (germline): Uncertain significance. Review status: criteria provided, multiple submitters, no conflicts (2 of 4 stars). 2 submissions from 2 submitters: Uncertain significance (2). Last evaluated 2024-12-24.

Allele frequency attached by ClinVar (database versions not stated): gnomAD 0.00001; TOPMed 0.00001; ExAC 0.00002; gnomAD exomes 0.00002.
gnomAD v4.1: 46 of 1,614,020 alleles (0.0029%); highest among the groups gnomAD compares: South Asian, 0.0055%; no homozygotes.

Submissions (2):

Ambry Genetics
Classification: Uncertain significance. Last evaluated: 2024-12-24. Review status: criteria provided, single submitter. Criteria: Ambry Variant Classification Scheme 2023. Collection method: clinical testing. Allele origin: germline.

Labcorp Genetics (formerly Invitae), Labcorp
Classification: Uncertain significance. Last evaluated: 2021-10-14. Review status: criteria provided, single submitter. Criteria: Invitae Variant Classification Sherloc (09022015). Collection method: clinical testing. Allele origin: germline.
Comment: Algorithms developed to predict the effect of missense changes on protein structure and function are either unavailable or do not agree on the potential impact of this missense change (SIFT: "Deleterious"; PolyPhen-2: "Benign"; Align-GVGD: "Class C25"). In summary, the available evidence is currently insufficient to determine the role of this variant in disease. Therefore, it has been classified as a Variant of Uncertain Significance. This variant has not been reported in the literature in individuals affected with DHX32-related conditions. This sequence change replaces isoleucine with threonine at codon 235 of the DHX32 protein (p.Ile235Thr). The isoleucine residue is moderately conserved and there is a moderate physicochemical difference between isoleucine and threonine. This variant is present in population databases (rs748210084, ExAC 0.006%).

NM_018180.3(DHX32):c.704T>C (p.Ile235Thr)

Gene: DHX32 (DEAH-box helicase 32 (putative); minus strand). Cytogenetic location: 10q26.2.
Variant type: single nucleotide variant.
Coding change: c.704T>C on transcript NM_018180.3 (MANE Select); coding-DNA position 704, T replaced by C.
Protein change: p.Ile235Thr; replaces isoleucine 235 with threonine.
Molecular consequence: missense variant.
Genome position (GRCh38, 1-based): chr10:125,859,748, A>G on the plus strand (T>C on the coding strand, the complement: DHX32 is on the minus strand). VCF-style: chr10-125859748-A-G. GRCh37 (hg19) VCF-style: chr10-127548317-A-G.
Other names: c.704T>C (NM_018180.2); short protein forms I235T.
Identifiers: ClinVar variation 1391694 (VCV001391694.7), dbSNP rs748210084, ClinGen allele CA5739398.